The following is an entry in ClinVar:

ClinVar aggregate classification (germline): Uncertain significance (1 of 4 stars; one submission).

Submission:

Ambry Genetics
Classification: Uncertain significance. Last evaluated: 2023-03-08. Review status: criteria provided, single submitter. Criteria: Ambry Variant Classification Scheme 2023. Collection method: clinical testing. Allele origin: germline.
Comment: The p.F1419C variant (also known as c.4256T>G), located in coding exon 18 of the NPAT gene, results from a T to G substitution at nucleotide position 4256. The phenylalanine at codon 1419 is replaced by cysteine, an amino acid with highly dissimilar properties. This amino acid position is conserved. In addition, the in silico prediction for this alteration is inconclusive. Since supporting evidence is limited at this time, the clinical significance of this alteration remains unclear.

NM_002519.3(NPAT):c.4256T>G (p.Phe1419Cys)

Gene: NPAT (nuclear protein, coactivator of histone transcription; minus strand). Cytogenetic location: 11q22.3.
Variant type: single nucleotide variant.
Coding change: c.4256T>G on transcript NM_002519.3 (MANE Select); coding-DNA position 4256, T replaced by G.
Protein change: p.Phe1419Cys; replaces phenylalanine 1419 with cysteine.
Molecular consequence: missense variant.
Genome position (GRCh38, 1-based): chr11:108,158,970, A>C on the plus strand (T>G on the coding strand, the complement: NPAT is on the minus strand). VCF-style: chr11-108158970-A-C. GRCh37 (hg19) VCF-style: chr11-108029697-A-C.
Other names: c.4277T>G, p.Phe1426Cys (NM_001321307.1); short protein forms F1419C, F1426C.
Identifiers: ClinVar variation 2453814 (VCV002453814.2), dbSNP rs2496688679, ClinGen allele CA382509009.